The following is an entry in ClinVar:

NM_001379270.1(CNGA1):c.248T>C (p.Ile83Thr)

Genes: CNGA1 (cyclic nucleotide gated channel subunit alpha 1; minus strand), LOC101927157 (uncharacterized LOC101927157; plus strand). Cytogenetic location: 4p12.
Variant type: single nucleotide variant.
Coding change: c.248T>C on transcript NM_001379270.1 (MANE Select); coding-DNA position 248, T replaced by C.
Protein change: p.Ile83Thr; replaces isoleucine 83 with threonine.
Molecular consequence: missense variant.
Genome position (GRCh38, 1-based): chr4:47,949,872, A>G on the plus strand (T>C on the coding strand, the complement: CNGA1 is on the minus strand). VCF-style: chr4-47949872-A-G. GRCh37 (hg19) VCF-style: chr4-47951889-A-G.
Other names: c.248T>C, p.Ile83Thr (NM_000087.5, NM_001142564.2); short protein forms I83T.
Identifiers: ClinVar variation 934788 (VCV000934788.6), dbSNP rs370983023, ClinGen allele CA2911339.

ClinVar aggregate classification (germline): Uncertain significance. Review status: criteria provided, multiple submitters, no conflicts (2 of 4 stars). 2 submissions from 2 submitters: Uncertain significance (2). Last evaluated 2024-05-27.

Allele frequency attached by ClinVar (database versions not stated): ExAC 0.00001; gnomAD exomes 0.00001 and 0.00002; gnomAD 0.00003 and 0.00004; TOPMed 0.00004; ESP Exome Variant Server 0.00008.
gnomAD v4.1: 14 of 1,613,974 alleles (0.00087%); highest among the groups gnomAD compares: Non-Finnish European, 0.0012%; no homozygotes.

Submissions (2):

Blueprint Genetics
Classification: Uncertain significance. Last evaluated: 2024-05-27. Review status: criteria provided, single submitter. Criteria: ACMG Guidelines, 2015. Collection method: clinical testing. Allele origin: germline.

Labcorp Genetics (formerly Invitae), Labcorp
Classification: Uncertain significance. Last evaluated: 2022-10-24. Review status: criteria provided, single submitter. Criteria: Invitae Variant Classification Sherloc (09022015). Collection method: clinical testing. Allele origin: germline.
Comment: This sequence change replaces isoleucine, which is neutral and non-polar, with threonine, which is neutral and polar, at codon 87 of the CNGA1 protein (p.Ile87Thr). This variant is present in population databases (rs370983023, gnomAD 0.002%). This variant has not been reported in the literature in individuals affected with CNGA1-related conditions. ClinVar contains an entry for this variant (Variation ID: 934788). Algorithms developed to predict the effect of missense changes on protein structure and function (SIFT, PolyPhen-2, Align-GVGD) all suggest that this variant is likely to be tolerated. In summary, the available evidence is currently insufficient to determine the role of this variant in disease. Therefore, it has been classified as a Variant of Uncertain Significance.